The following is an entry in ClinVar:

NM_031220.4(PITPNM3):c.2776A>G (p.Thr926Ala)

Gene: PITPNM3 (PITPNM family member 3; minus strand). Cytogenetic location: 17p13.2.
Variant type: single nucleotide variant.
Coding change: c.2776A>G on transcript NM_031220.4 (MANE Select); coding-DNA position 2776, A replaced by G.
Protein change: p.Thr926Ala; replaces threonine 926 with alanine.
Molecular consequence: missense variant.
Genome position (GRCh38, 1-based): chr17:6,455,487, T>C on the plus strand (A>G on the coding strand, the complement: PITPNM3 is on the minus strand). VCF-style: chr17-6455487-T-C. GRCh37 (hg19) VCF-style: chr17-6358807-T-C.
Other names: c.2668A>G, p.Thr890Ala (NM_001165966.2); short protein forms T926A, T890A.
Identifiers: ClinVar variation 3644939 (VCV003644939.2).
Genomic context (GRCh38, chr17:6,455,487, plus strand): 5'-TCTGGGCCCGCTCGGGCTTGGGGTTGGCGGCGGGCGGGTCGGGCTGCTGCACTGACATGG[T>C]TCTGCGCAGGTGGTTGCGCTTCCGCAGGAACTCTGGCTGCGCGTGCAGCCCGAAGCTGCC-3'
Protein context (NP_112497.2, residues 916-936): FLRKRNHLRR[Thr926Ala]MSVQQPDPPA

ClinVar aggregate classification (germline): Uncertain significance (1 of 4 stars; one submission).

gnomAD v4.1: 1 of 1,605,972 alleles (0.000062%); highest among the groups gnomAD compares: Non-Finnish European, 0.000085%; no homozygotes.

Submission:

Labcorp Genetics (formerly Invitae), Labcorp
Classification: Uncertain significance. Last evaluated: 2024-03-13. Review status: criteria provided, single submitter. Criteria: Invitae Variant Classification Sherloc (09022015). Collection method: clinical testing. Allele origin: germline.
Comment: This sequence change replaces threonine, which is neutral and polar, with alanine, which is neutral and non-polar, at codon 926 of the PITPNM3 protein (p.Thr926Ala). This variant is not present in population databases (gnomAD no frequency). This variant has not been reported in the literature in individuals affected with PITPNM3-related conditions. Advanced modeling of protein sequence and biophysical properties (such as structural, functional, and spatial information, amino acid conservation, physicochemical variation, residue mobility, and thermodynamic stability) performed at Invitae indicates that this missense variant is not expected to disrupt PITPNM3 protein function with a negative predictive value of 80%. In summary, the available evidence is currently insufficient to determine the role of this variant in disease. Therefore, it has been classified as a Variant of Uncertain Significance.